The following is an entry in ClinVar:

NM_001372044.2(SHANK3):c.3712C>T (p.Pro1238Ser)

Gene: SHANK3 (SH3 and multiple ankyrin repeat domains 3; plus strand). Cytogenetic location: 22q13.33.
Variant type: single nucleotide variant.
Coding change: c.3712C>T on transcript NM_001372044.2 (MANE Select); coding-DNA position 3712, C replaced by T.
Protein change: p.Pro1238Ser; replaces proline 1238 with serine.
Molecular consequence: missense variant.
Genome position (GRCh38, 1-based): chr22:50,721,320, C>T. VCF-style: chr22-50721320-C-T. GRCh37 (hg19) VCF-style: chr22-51159748-C-T.
Other names: c.3487C>T, p.Pro1163Ser (NM_033517.1); short protein forms P1238S, P1163S.
Identifiers: ClinVar variation 2228655 (VCV002228655.6), dbSNP rs1024119044, ClinGen allele CA325579002.

ClinVar aggregate classification (germline): Uncertain significance. Review status: criteria provided, multiple submitters, no conflicts (2 of 4 stars). 3 submissions from 3 submitters: Uncertain significance (3). Last evaluated 2024-01-23.

Conditions:
Inborn genetic diseases. Identifiers: MedGen C0950123, MeSH D030342.
Schizophrenia 15 (SCZD15). Also called: SCHIZOPHRENIA SUSCEPTIBILITY LOCUS, CHROMOSOME 22q13-RELATED. Identifiers: MedGen C3151380, MONDO:0013498, OMIM 613950.
Phelan-McDermid syndrome. Also called: TELOMERIC 22q13 MONOSOMY SYNDROME; 22q13.3 deletion syndrome; Phelan-McDermid Syndrome-SHANK3 Related. Identifiers: Orphanet 48652, MedGen C1853490, MONDO:0011652, OMIM 606232.

Allele frequency attached by ClinVar (database versions not stated): gnomAD exomes below 0.00001; gnomAD 0.00001; TOPMed 0.00004.

Submissions (3):

Fulgent Genetics
Classification: Uncertain significance for Phelan-McDermid syndrome; Schizophrenia 15. Last evaluated: 2024-01-23. Review status: criteria provided, single submitter. Criteria: ACMG Guidelines, 2015. Collection method: clinical testing. Allele origin: germline.

GeneDx
Classification: Uncertain significance. Last evaluated: 2023-01-04. Review status: criteria provided, single submitter. Criteria: GeneDx Variant Classification Process June 2021. Collection method: clinical testing. Allele origin: germline. Affected: yes.
Comment: In silico analysis supports that this missense variant does not alter protein structure/function; Has not been previously published as pathogenic or benign to our knowledge

Ambry Genetics
Classification: Uncertain significance for Inborn genetic diseases. Last evaluated: 2021-01-13. Review status: criteria provided, single submitter. Criteria: Ambry Variant Classification Scheme 2023. Collection method: clinical testing. Allele origin: germline.